The following is an entry in ClinVar:

ClinVar aggregate classification (germline): Uncertain significance. Review status: criteria provided, multiple submitters, no conflicts (2 of 4 stars). 4 submissions from 4 submitters: Uncertain significance (4). Last evaluated 2025-07-09.

Allele frequency attached by ClinVar (database versions not stated): gnomAD exomes 0.00004 and 0.00008; ExAC 0.00007; ESP Exome Variant Server 0.00015; 1000 Genomes Project 30x 0.00031; gnomAD 0.00031 and 0.00034; TOPMed 0.00034; 1000 Genomes Project 0.00040.
gnomAD v4.1: 125 of 1,614,174 alleles (0.0077%); highest among the groups gnomAD compares: African/African-American, 0.1%; no homozygotes.

Submissions (4):

Mayo Clinic Laboratories, Mayo Clinic
Classification: Uncertain significance. Last evaluated: 2025-07-09. Review status: criteria provided, single submitter. Criteria: ACMG Guidelines, 2015. Collection method: clinical testing. Allele origin: germline. Observed: 1 variant allele.
Comment: BP4

Blueprint Genetics
Classification: Uncertain significance. Last evaluated: 2024-02-09. Review status: criteria provided, single submitter. Criteria: ACMG Guidelines, 2015. Collection method: clinical testing. Allele origin: germline.

Labcorp Genetics (formerly Invitae), Labcorp
Classification: Uncertain significance. Last evaluated: 2022-09-07. Review status: criteria provided, single submitter. Criteria: Invitae Variant Classification Sherloc (09022015). Collection method: clinical testing. Allele origin: germline.
Comment: This sequence change replaces tyrosine, which is neutral and polar, with cysteine, which is neutral and slightly polar, at codon 311 of the DNAJC21 protein (p.Tyr311Cys). This variant is present in population databases (rs141348854, gnomAD 0.07%). This variant has not been reported in the literature in individuals affected with DNAJC21-related conditions. ClinVar contains an entry for this variant (Variation ID: 1337404). Algorithms developed to predict the effect of missense changes on protein structure and function are either unavailable or do not agree on the potential impact of this missense change (SIFT: "Tolerated"; PolyPhen-2: "Possibly Damaging"; Align-GVGD: "Class C0"). In summary, the available evidence is currently insufficient to determine the role of this variant in disease. Therefore, it has been classified as a Variant of Uncertain Significance.

Genetic Services Laboratory, University of Chicago
Classification: Uncertain significance. Last evaluated: 2021-10-06. Review status: criteria provided, single submitter. Criteria: ACMG Guidelines, 2015. Collection method: clinical testing. Allele origin: germline. Affected: no.
Comment: This sequence change does not appear to have been previously described in individuals with DNAJC21-related disorders. This sequence change has been described in the gnomAD database with a frequency of 0.068% in the African subpopulation (dbSNP rs141348854). The p.Tyr311Cys change affects a moderately conserved amino acid residue located in a domain of the DNAJC21 protein that is known to be functional. In-silico pathogenicity prediction tools (SIFT, PolyPhen2, Align GVGD, REVEL) provide contradictory results for the p.Tyr311Cys substitution. Due to insufficient evidence and the lack of functional studies, the clinical significance of the p.Tyr311Cys change remains unknown at this time.

NM_001012339.3(DNAJC21):c.932A>G (p.Tyr311Cys)

Gene: DNAJC21 (DnaJ heat shock protein family (Hsp40) member C21; plus strand). Cytogenetic location: 5p13.2.
Variant type: single nucleotide variant.
Coding change: c.932A>G on transcript NM_001012339.3 (MANE Select); coding-DNA position 932, A replaced by G.
Protein change: p.Tyr311Cys; replaces tyrosine 311 with cysteine.
Molecular consequence: missense variant.
Genome position (GRCh38, 1-based): chr5:34,941,132, A>G. VCF-style: chr5-34941132-A-G. GRCh37 (hg19) VCF-style: chr5-34941237-A-G.
Other names: p.Tyr311Cys; c.932A>G, p.Tyr311Cys (NM_001348420.2, NM_194283.4); short protein forms Y311C.
Identifiers: ClinVar variation 1337404 (VCV001337404.8), dbSNP rs141348854, ClinGen allele CA3228632.
Genomic context (GRCh38, chr5:34,941,132, plus strand): 5'-TTACTGTAGGCTTCCCTGTCATAGGTAAAGACAGTGATGAGGCCGAGGACGCTGAGCTCT[A>G]TGATGACCTTTACTGCCCAGCATGTGACAAATCGTTCAAGACAGAAAAGGCGTAAGTTTA-3'
Protein context (NP_001012339.2, residues 301-321): DSDEAEDAEL[Tyr311Cys]DDLYCPACDK